The following is an entry in ClinVar:

ClinVar aggregate classification (germline): Pathogenic (1 of 4 stars; one submission).

Conditions:
Lowe syndrome (OCRL). Also called: PHOSPHATIDYLINOSITOL 4,5-BISPHOSPHATE 5-PHOSPHATASE DEFICIENCY; LOWE OCULOCEREBRORENAL SYNDROME; Oculocerebrorenal Syndrome. Identifiers: Orphanet 534, MedGen C0028860, MONDO:0010645, OMIM 309000.

Submission:

Labcorp Genetics (formerly Invitae), Labcorp
Classification: Pathogenic for Lowe syndrome. Last evaluated: 2018-06-09. Review status: criteria provided, single submitter. Criteria: Invitae Variant Classification Sherloc (09022015). Collection method: clinical testing. Allele origin: germline.
Comment: Experimental studies have shown that this missense change impairs binding to APPL1 and disrupts normal endosomal co-localization with EGFP (PMID: 17765681). In addition, experimental studies on fibroblasts from an individual carrying this missense change showed a reduced amount of OCRL protein and lower PI(4,5)P2-phosphatase activity (PMID: 21031565). For these reasons, this variant has been classified as Pathogenic. This variant has been observed to be hemizygous in individuals affected with Lowe syndrome (PMIID: 10923037, 21031565). This variant is also known as p.Ala780Pro in the literature. This sequence change replaces alanine with proline at codon 797 of the OCRL protein (p.Ala797Pro). The alanine residue is highly conserved and there is a small physicochemical difference between alanine and proline. This variant is not present in population databases (ExAC no frequency).

Literature cited by the submitters: PubMed 17765681; PubMed 21031565.

NM_000276.4(OCRL):c.2389G>C (p.Ala797Pro)

Gene: OCRL (OCRL inositol polyphosphate-5-phosphatase; plus strand). Cytogenetic location: Xq26.1.
Variant type: single nucleotide variant.
Coding change: c.2389G>C on transcript NM_000276.4 (MANE Select); coding-DNA position 2389, G replaced by C.
Protein change: p.Ala797Pro; replaces alanine 797 with proline.
Molecular consequence: missense variant.
Genome position (GRCh38, 1-based): chrX:129,588,933, G>C. VCF-style: chrX-129588933-G-C. GRCh37 (hg19) VCF-style: chrX-128722910-G-C.
Other names: c.2392G>C, p.Ala798Pro (NM_001318784.2); c.2365G>C, p.Ala789Pro (NM_001587.4); short protein forms A797P, A798P, A789P.
Identifiers: ClinVar variation 567454 (VCV000567454.7), dbSNP rs935956958, ClinGen allele CA414631096.